The following is an entry in ClinVar:

ClinVar aggregate classification (germline): Likely benign. Review status: criteria provided, multiple submitters, no conflicts (2 of 4 stars). 3 submissions from 3 submitters: Likely benign (3). Last evaluated 2026-06-23.

Conditions:
DMXL2-related disorder. Also called: DMXL2-related condition.

Allele frequency attached by ClinVar (database versions not stated): gnomAD exomes 0.00005 and 0.00010; ExAC 0.00010; gnomAD 0.00025 and 0.00026; ESP Exome Variant Server 0.00031; TOPMed 0.00037; 1000 Genomes Project 0.00060; 1000 Genomes Project 30x 0.00062.
gnomAD v4.1: 112 of 1,614,106 alleles (0.0069%); highest among the groups gnomAD compares: African/African-American, 0.085%; 1 homozygote.

Submissions (3):

PreventionGenetics, part of Exact Sciences
Classification: Likely benign for DMXL2-related condition. Last evaluated: 2026-06-23. Review status: criteria provided, single submitter. Criteria: ACMG Guidelines, 2015. Collection method: clinical testing. Allele origin: germline.
Comment: This variant is classified as likely benign based on ACMG/AMP sequence variant interpretation guidelines (Richards et al. 2015 PMID: 25741868, with internal and published modifications).

Labcorp Genetics (formerly Invitae), Labcorp
Classification: Likely benign. Last evaluated: 2026-01-20. Review status: criteria provided, single submitter. Criteria: Invitae Variant Classification Sherloc (09022015). Collection method: clinical testing. Allele origin: germline.

Blueprint Genetics
Classification: Likely benign. Last evaluated: 2024-09-15. Review status: criteria provided, single submitter. Criteria: ACMG Guidelines, 2015. Collection method: clinical testing. Allele origin: germline.

NM_001378457.1(DMXL2):c.9150C>A (p.Ile3050=)

Gene: DMXL2 (Dmx like 2; minus strand). Cytogenetic location: 15q21.2.
Variant type: single nucleotide variant.
Coding change: c.9150C>A on transcript NM_001378457.1 (MANE Select); coding-DNA position 9150, C replaced by A.
Protein change: p.Ile3050=; no amino-acid change (isoleucine 3050 retained).
Molecular consequence: synonymous variant. On other transcripts: non-coding transcript variant (2).
Genome position (GRCh38, 1-based): chr15:51,449,011, G>T on the plus strand (C>A on the coding strand, the complement: DMXL2 is on the minus strand). VCF-style: chr15-51449011-G-T. GRCh37 (hg19) VCF-style: chr15-51741208-G-T.
Other names: c.9087C>A, p.Ile3029= (NM_001174116.3); c.7176C>A, p.Ile2392= (NM_001174117.3); c.9147C>A, p.Ile3049= (NM_001378458.1); c.8862C>A, p.Ile2954= (NM_001378459.1); c.7065C>A, p.Ile2355= (NM_001378460.1); c.9084C>A, p.Ile3028= (NM_015263.5).
Identifiers: ClinVar variation 745168 (VCV000745168.11), dbSNP rs201934903, ClinGen allele CA7560813.
Genomic context (GRCh38, chr15:51,449,011, plus strand): 5'-ACTGAAATGTATATAAAAATAAAACCCCAATCTTTATAGAATGTCAAGAATTCTGTTAGG[G>T]ATGTTAAAAGCATTGGGCAAAACCCTGGTTTTCAGCGTGCCATCTGCACCACAGGAGAAG-3'
Protein context (NP_001365386.1, residues 3040-3058): KTRVLPNAFN[Ile3050=]PNRILDIL